The following is an entry in ClinVar:

ClinVar aggregate classification (germline): Uncertain significance (1 of 4 stars; one submission).

Conditions:
Cardiovascular phenotype. Identifiers: MedGen CN230736.

gnomAD v4.1: 2 of 1,614,002 alleles (0.00012%); highest among the groups gnomAD compares: South Asian, 0.0011%; no homozygotes.

Submission:

Ambry Genetics
Classification: Uncertain significance for Cardiovascular phenotype. Last evaluated: 2026-07-09. Review status: criteria provided, single submitter. Criteria: Ambry Variant Classification Scheme 2023. Collection method: clinical testing. Allele origin: germline.
Comment: The p.A1241T variant (also known as c.3721G>A), located in coding exon 24 of the APOB gene, results from a G to A substitution at nucleotide position 3721. The alanine at codon 1241 is replaced by threonine, an amino acid with similar properties. This amino acid position is conserved. In addition, this alteration is predicted to be tolerated by in silico analysis. Based on the available evidence, the clinical significance of this variant remains unclear.

NM_000384.3(APOB):c.3721G>A (p.Ala1241Thr)

Gene: APOB (apolipoprotein B; minus strand). Cytogenetic location: 2p24.1.
Variant type: single nucleotide variant.
Coding change: c.3721G>A on transcript NM_000384.3 (MANE Select); coding-DNA position 3721, G replaced by A.
Protein change: p.Ala1241Thr; replaces alanine 1241 with threonine.
Molecular consequence: missense variant.
Genome position (GRCh38, 1-based): chr2:21,014,569, C>T on the plus strand (G>A on the coding strand, the complement: APOB is on the minus strand). VCF-style: chr2-21014569-C-T. GRCh37 (hg19) VCF-style: chr2-21237441-C-T.
Other names: short protein forms A1241T.
Identifiers: ClinVar variation 3933744 (VCV003933744.2).